The following is an entry in ClinVar:

NM_001378120.1(MBD5):c.1479_1480insGGTTGCCA (p.Arg494fs)

Gene: MBD5 (methyl-CpG binding domain protein 5; plus strand). Cytogenetic location: 2q23.1.
Variant type: Insertion.
Coding change: c.1479_1480insGGTTGCCA on transcript NM_001378120.1 (MANE Select); coding-DNA positions 1479 to 1480, GGTTGCCA inserted.
Protein change: p.Arg494fs; shifts the reading frame from arginine 494.
Molecular consequence: frameshift variant.
Genome position: GRCh38 VCF-style: chr2-148469419-A-ACCAGGTTG. GRCh37 (hg19) VCF-style: chr2-149226988-A-ACCAGGTTG.
Other names: c.1479_1480insGGTTGCCA, p.Arg494fs (NM_001438854.1, NM_001438855.1, NM_001438856.1 and 7 more transcripts); short protein forms R494fs.
Identifiers: ClinVar variation 4292351 (VCV004292351.1).

ClinVar aggregate classification (germline): Likely pathogenic (1 of 4 stars; one submission).

Conditions:
Intellectual developmental disorder, autosomal dominant 1. Also called: MBD5 Haploinsufficiency; Intellectual disability, autosomal dominant 1. Identifiers: Orphanet 228402, MedGen C1969562, MONDO:0007974, OMIM 156200.

Submission:

3billion
Classification: Likely pathogenic for Intellectual developmental disorder, autosomal dominant 1. Last evaluated: 2024-06-26. Review status: criteria provided, single submitter. Criteria: ACMG Guidelines, 2015. Collection method: clinical testing. Allele origin: germline. Affected: yes.
Comment: The variant is not observed in the gnomAD v4.0.0 dataset. Predicted Consequence/Location: Frameshift: predicted to result in a loss or disruption of normal protein function through nonsense-mediated decay (NMD) or protein truncation. Multiple pathogenic variants are reported downstream of the variant. Therefore, this variant is classified as Likely pathogenic according to the recommendation of ACMG/AMP guideline.